The following is an entry in ClinVar:

ClinVar aggregate classification (germline): Pathogenic (1 of 4 stars; one submission).

Conditions:
Pyruvate carboxylase deficiency. Also called: LEIGH NECROTIZING ENCEPHALOPATHY DUE TO PYRUVATE CARBOXYLASE DEFICIENCY; LEIGH SYNDROME DUE TO PYRUVATE CARBOXYLASE DEFICIENCY; PC DEFICIENCY; Pyruvate Carboxylase Deficiency Disease; ATAXIA WITH LACTIC ACIDOSIS II. Identifiers: Orphanet 3008, MedGen C0034341, MONDO:0009949, OMIM 266150.

Submission:

Labcorp Genetics (formerly Invitae), Labcorp
Classification: Pathogenic for Pyruvate carboxylase deficiency. Last evaluated: 2021-03-31. Review status: criteria provided, single submitter. Criteria: Invitae Variant Classification Sherloc (09022015). Collection method: clinical testing. Allele origin: germline.
Comment: For these reasons, this variant has been classified as Pathogenic. This variant has not been reported in the literature in individuals with PC-related conditions. This variant is not present in population databases (ExAC no frequency). This sequence change creates a premature translational stop signal (p.Gln640*) in the PC gene. It is expected to result in an absent or disrupted protein product. Loss-of-function variants in PC are known to be pathogenic (PMID: 12112657, 19306334).

Literature cited by the submitters: PubMed 12112657; PubMed 19306334.

NM_001040716.2(PC):c.1918C>T (p.Gln640Ter)

Gene: PC (pyruvate carboxylase; minus strand). Cytogenetic location: 11q13.2.
Variant type: single nucleotide variant.
Coding change: c.1918C>T on transcript NM_001040716.2 (MANE Select); coding-DNA position 1918, C replaced by T.
Protein change: p.Gln640Ter; replaces glutamine 640 with a stop codon.
Molecular consequence: nonsense.
Genome position (GRCh38, 1-based): chr11:66,851,854, G>A on the plus strand (C>T on the coding strand, the complement: PC is on the minus strand). VCF-style: chr11-66851854-G-A. GRCh37 (hg19) VCF-style: chr11-66619325-G-A.
Other names: c.1918C>T, p.Gln640Ter (NM_000920.4, NM_022172.3); short protein forms Q640*.
Identifiers: ClinVar variation 1416961 (VCV001416961.6), dbSNP rs2135809396, ClinGen allele CA381494451.